The following is an entry in ClinVar:

ClinVar aggregate classification (germline): Pathogenic (1 of 4 stars; one submission).

Conditions:
Fanconi anemia (FA). Also called: Fanconi's anemia. Identifiers: Orphanet 84, MedGen C0015625, MeSH D005199, MONDO:0019391.

Submission:

Labcorp Genetics (formerly Invitae), Labcorp
Classification: Pathogenic for Fanconi anemia. Last evaluated: 2025-05-26. Review status: criteria provided, single submitter. Criteria: Invitae Variant Classification Sherloc (09022015). Collection method: clinical testing. Allele origin: germline.
Comment: This sequence change creates a premature translational stop signal (p.Asp1604Glufs*26) in the FANCM gene. It is expected to result in an absent or disrupted protein product. Loss-of-function variants in FANCM are known to be pathogenic (PMID: 29895858, 30075111). This variant is not present in population databases (gnomAD no frequency). This variant has not been reported in the literature in individuals affected with FANCM-related conditions. For these reasons, this variant has been classified as Pathogenic.

Literature cited by the submitters: PubMed 29895858; PubMed 30075111.

NM_020937.4(FANCM):c.4812del (p.Asp1604fs)

Gene: FANCM (FA complementation group M; plus strand). Cytogenetic location: 14q21.2.
Variant type: Deletion.
Coding change: c.4812del on transcript NM_020937.4 (MANE Select); coding-DNA position 4812, one base deleted (T; older notation c.4812delT).
Protein change: p.Asp1604fs; shifts the reading frame from aspartic acid 1604.
Molecular consequence: frameshift variant.
Genome position (GRCh38, 1-based): chr14:45,188,834, T deleted. VCF-style (leftmost placement, unchanged base first): chr14-45188833-AT-A. GRCh37 (hg19) VCF-style: chr14-45658036-AT-A.
Other names: c.4734del, p.Asp1578fs (NM_001308133.2); short protein forms D1578fs, D1604fs.
Identifiers: ClinVar variation 4778489 (VCV004778489.1).